The following is an entry in ClinVar:

ClinVar aggregate classification (germline): Uncertain significance. Review status: criteria provided, multiple submitters, no conflicts (2 of 4 stars). 3 submissions from 3 submitters: Uncertain significance (3). Last evaluated 2025-09-08.

Conditions:
Hyperinsulinemic hypoglycemia, familial, 1 (HHF1). Also called: Persistent hyperinsulinemic hypoglycemia of infancy; Persistent Hyperinsulinemia Hypoglycemia of Infancy; HYPERINSULINISM, FAMILIAL, WITH PANCREATIC NESIDIOBLASTOSIS; HYPOGLYCEMIA, HYPERINSULINEMIC, OF INFANCY; NESIDIOBLASTOSIS OF PANCREAS. Identifiers: Orphanet 276575, Orphanet 276598, MedGen C2931832, MONDO:0009734, OMIM 256450.
Leucine-induced hypoglycemia (LIH). Also called: LEUCINE-SENSITIVE HYPOGLYCEMIA OF INFANCY. Identifiers: MedGen C0271714, MONDO:0009415, OMIM 240800.
Type 2 diabetes mellitus. Also called: Type II diabetes mellitus. Identifiers: MedGen C0011860, MeSH D003924, MONDO:0005148, OMIM 125853, HP:0005978.
Diabetes mellitus, transient neonatal, 2 (TNDM2). Identifiers: Orphanet 99886, MedGen C1835887, MONDO:0012480, OMIM 610374. Disease mechanism: loss of function.
Diabetes mellitus, permanent neonatal 3. Also called: ABCC8-Related Permanent Neonatal Diabetes Mellitus. Identifiers: MedGen C5394303, MONDO:0030088, OMIM 618857.

gnomAD v4.1: 26 of 1,614,100 alleles (0.0016%); highest among the groups gnomAD compares: Non-Finnish European, 0.0022%; no homozygotes.

Submissions (3):

GeneDx
Classification: Uncertain significance. Last evaluated: 2025-09-08. Review status: criteria provided, single submitter. Criteria: GeneDx Variant Classification Process June 2021. Collection method: clinical testing. Allele origin: germline.
Comment: Identified in a patient with neonatal diabetes who inherited the variant from their mother who did not have diabetes (PMID: 17389331); Identified in studies of large cohorts with diabetes, but detailed clinical information and familial segregation information were not provided (PMID: 31264968, 31291970, 33046911); In silico analysis supports that this missense variant has a deleterious effect on protein structure/function; This variant is associated with the following publications: (PMID: 17389331, 31264968, 31291970, 33046911)

Fulgent Genetics
Classification: Uncertain significance for Type 2 diabetes mellitus; Leucine-induced hypoglycemia; Hyperinsulinemic hypoglycemia, familial, 1; Diabetes mellitus, transient neonatal, 2; Diabetes mellitus, permanent neonatal 3. Last evaluated: 2021-10-13. Review status: criteria provided, single submitter. Criteria: ACMG Guidelines, 2015. Collection method: clinical testing. Allele origin: unknown.

Women's Health and Genetics/Laboratory Corporation of America, LabCorp
Classification: Uncertain significance. Last evaluated: 2021-10-11. Review status: criteria provided, single submitter. Criteria: LabCorp Variant Classification Summary - May 2015. Collection method: clinical testing. Allele origin: germline.
Comment: Variant summary: ABCC8 c.806C>A (p.Ala269Asp) results in a non-conservative amino acid change in the encoded protein sequence. Five of five in-silico tools predict a damaging effect of the variant on protein function. The variant allele was found at a frequency of 8e-06 in 251320 control chromosomes (gnomAD). The available data on variant occurrences in the general population are insufficient to allow any conclusion about variant significance. c.806C>A has been reported in the literature in two individuals affected with neonatal diabetes, and adult type 1 and type 2 diabetes (Vaxillaire_2007, Yu_2019, Bonnefond_2020), however, the mother of the neonatal case also carried the variant and had normal glucose tolerance (Vaxillaire_2007). These reports do not provide unequivocal conclusions about association of the variant with Neonatal Diabetes Mellitus/Maturity Onset Diabetes Of The Young. To our knowledge, no experimental evidence demonstrating an impact on protein function has been reported. No clinical diagnostic laboratories have submitted clinical-significance assessments for this variant to ClinVar after 2014. Based on the evidence outlined above, the variant was classified as uncertain significance.

Literature cited by the submitters: PubMed 17389331 (cited by Women's Health and Genetics/Laboratory Corporation of America, LabCorp); PubMed 33046911 (cited by Women's Health and Genetics/Laboratory Corporation of America, LabCorp); PubMed 32376986 (cited by Women's Health and Genetics/Laboratory Corporation of America, LabCorp); PubMed 23807917 (cited by Women's Health and Genetics/Laboratory Corporation of America, LabCorp); PubMed 30395892 (cited by Women's Health and Genetics/Laboratory Corporation of America, LabCorp); PubMed 31264968 (cited by Women's Health and Genetics/Laboratory Corporation of America, LabCorp).

NM_000352.6(ABCC8):c.806C>A (p.Ala269Asp)

Gene: ABCC8 (ATP binding cassette subfamily C member 8; minus strand). Cytogenetic location: 11p15.1.
Variant type: single nucleotide variant.
Coding change: c.806C>A on transcript NM_000352.6 (MANE Select); coding-DNA position 806, C replaced by A.
Protein change: p.Ala269Asp; replaces alanine 269 with aspartic acid.
Molecular consequence: missense variant. On other transcripts: non-coding transcript variant (1).
Genome position (GRCh38, 1-based): chr11:17,461,599, G>T on the plus strand (C>A on the coding strand, the complement: ABCC8 is on the minus strand). VCF-style: chr11-17461599-G-T. GRCh37 (hg19) VCF-style: chr11-17483146-G-T.
Other names: c.806C>A (NM_000352.3); c.806C>A, p.Ala269Asp (NM_001287174.3, NM_001351295.2, NM_001351296.2 and 1 more transcripts); short protein forms A269D.
Identifiers: ClinVar variation 1321361 (VCV001321361.4), dbSNP rs372930264, ClinGen allele CA218451973.